The following is an entry in ClinVar:

NM_024301.5(FKRP):c.-270C>T

Genes: FKRP (fukutin related protein; plus strand), STRN4 (striatin 4; minus strand), LOC130064775 (ATAC-STARR-seq lymphoblastoid silent region 10825; plus strand). Cytogenetic location: 19q13.32.
Variant type: single nucleotide variant.
Coding change: c.-270C>T on transcript NM_024301.5 (MANE Select); 270 bases upstream of the start codon, C replaced by T.
Molecular consequence: 5 prime UTR variant. On other transcripts: intron variant (2).
Genome position (GRCh38, 1-based): chr19:46,746,073, C>T. VCF-style: chr19-46746073-C-T. GRCh37 (hg19) VCF-style: chr19-47249330-C-T.
Other names: c.-322C>T (NM_001039885.3); c.282+76G>A (NM_013403.3, NM_001039877.2).
Identifiers: ClinVar variation 3029813 (VCV003029813.2), dbSNP rs2054591393, ClinGen allele CA996414507.

ClinVar aggregate classification (germline): Likely benign (0 of 4 stars; one submission).

Conditions:
FKRP-related disorder. Also called: FKRP-related condition.

Allele frequency attached by ClinVar (database versions not stated): gnomAD 0.00001.

Submission:

PreventionGenetics, part of Exact Sciences
Classification: Likely benign for FKRP-related condition. Last evaluated: 2021-10-18. Review status: no assertion criteria provided. Collection method: clinical testing. Allele origin: germline.
Comment: This variant is classified as likely benign based on ACMG/AMP sequence variant interpretation guidelines (Richards et al. 2015 PMID: 25741868, with internal and published modifications).